The following is an entry in ClinVar:

NM_001374385.1(ATP8B1):c.3633C>A (p.Phe1211Leu)

Genes: ATP8B1 (ATPase phospholipid transporting 8B1; minus strand), ATP8B1-AS1 (ATP8B1 antisense RNA 1; plus strand). Cytogenetic location: 18q21.31.
Variant type: single nucleotide variant.
Coding change: c.3633C>A on transcript NM_001374385.1 (MANE Select); coding-DNA position 3633, C replaced by A.
Protein change: p.Phe1211Leu; replaces phenylalanine 1211 with leucine.
Molecular consequence: missense variant.
Genome position (GRCh38, 1-based): chr18:57,648,611, G>T on the plus strand (C>A on the coding strand, the complement: ATP8B1 is on the minus strand). VCF-style: chr18-57648611-G-T. GRCh37 (hg19) VCF-style: chr18-55315843-G-T.
Other names: c.3483C>A, p.Phe1161Leu (NM_001374386.1); c.3633C>A, p.Phe1211Leu (NM_005603.6); short protein forms F1161L, F1211L.
Identifiers: ClinVar variation 4846014 (VCV004846014.1).

ClinVar aggregate classification (germline): Uncertain significance (1 of 4 stars; one submission).

Conditions:
Familial intrahepatic cholestasis. Identifiers: Orphanet 284385, MedGen CN296401, MONDO:0017290.

gnomAD v4.1: 2 of 1,610,396 alleles (0.00012%); highest among the groups gnomAD compares: Non-Finnish European, 0.000085%; no homozygotes.

Submission:

Genomenon, Inc
Classification: Uncertain significance for Familial intrahepatic cholestasis. Last evaluated: 2026-04-14. Review status: criteria provided, single submitter. Criteria: Genomenon Sequence Variant Interpretation Standards - Updated. Collection method: curation. Allele origin: germline. Affected: no.
Comment: ATP8B1 p.Phe1211Leu (c.3633C>A) is a missense variant that changes the amino acid at residue 1211 from Phenylalanine to Leucine. This variant has been reported in the published literature (PMID:34828443). It is absent or not present at a significant frequency in gnomAD. In conclusion, we classify ATP8B1 p.Phe1211Leu (c.3633C>A) as a variant of uncertain significance.

Literature cited by the submitters: PubMed 34828443.